The following is an entry in ClinVar:

ClinVar aggregate classification (germline): Likely benign (1 of 4 stars; one submission).

Submission:

CeGaT Center for Human Genetics Tuebingen
Classification: Likely benign. Last evaluated: 2026-01-01. Review status: criteria provided, single submitter. Criteria: CeGaT Center For Human Genetics Tuebingen Variant Classification Criteria Version 2. Collection method: clinical testing. Allele origin: germline. Affected: yes. Observed: 1 variant allele.
Comment: MUC16: BP4, BS1

NM_001401501.2(MUC16):c.7294A>G (p.Ser2432Gly)

Gene: MUC16 (mucin 16, cell surface associated; minus strand). Cytogenetic location: 19p13.2.
Variant type: single nucleotide variant.
Coding change: c.7294A>G on transcript NM_001401501.2 (MANE Select); coding-DNA position 7294, A replaced by G.
Protein change: p.Ser2432Gly; replaces serine 2432 with glycine.
Molecular consequence: missense variant.
Genome position (GRCh38, 1-based): chr19:8,973,965, T>C on the plus strand (A>G on the coding strand, the complement: MUC16 is on the minus strand). VCF-style: chr19-8973965-T-C. GRCh37 (hg19) VCF-style: chr19-9084641-T-C.
Other names: c.7720A>G, p.Ser2574Gly (NM_001414686.1); c.7174A>G, p.Ser2392Gly (NM_001414687.1, NM_024690.2); short protein forms S2392G, S2432G, S2574G.
Identifiers: ClinVar variation 4820883 (VCV004820883.4).